The following is an entry in ClinVar:

NM_001042492.3(NF1):c.8143G>A (p.Ala2715Thr)

Gene: NF1 (neurofibromin 1; plus strand). Cytogenetic location: 17q11.2.
Variant type: single nucleotide variant.
Coding change: c.8143G>A on transcript NM_001042492.3 (MANE Select); coding-DNA position 8143, G replaced by A.
Protein change: p.Ala2715Thr; replaces alanine 2715 with threonine.
Molecular consequence: missense variant.
Genome position (GRCh38, 1-based): chr17:31,358,998, G>A. VCF-style: chr17-31358998-G-A. GRCh37 (hg19) VCF-style: chr17-29686016-G-A.
Other names: c.8080G>A, p.Ala2694Thr (NM_000267.4); short protein forms A2694T, A2715T.
Identifiers: ClinVar variation 946137 (VCV000946137.7), dbSNP rs2070340047, ClinGen allele CA399204201.
Genomic context (GRCh38, chr17:31,358,998, plus strand): 5'-TGTTATAAGAGTAAAATTTGATTTGTTGCAGGTTTTGGTTTTAATGGCTTGTGGCGGTTT[G>A]CAGGACCGTTTTCAAAGGTAAGAAAATATATTTTTCTCTAACTTTTGGCAAAATGAAGGT-3'
Protein context (NP_001035957.1, residues 2705-2725): SFGFNGLWRF[Ala2715Thr]GPFSKQTQIP

ClinVar aggregate classification (germline): Uncertain significance. Review status: criteria provided, multiple submitters, no conflicts (2 of 4 stars). 2 submissions from 2 submitters: Uncertain significance (2). Last evaluated 2023-11-10.

Conditions:
Neurofibromatosis, type 1 (NF1). Also called: Peripheral type neurofibromatosis; Neurofibromatosis, type I; VON RECKLINGHAUSEN DISEASE; NEUROFIBROMATOSIS, TYPE I, SOMATIC. Identifiers: Orphanet 636, MedGen C0027831, MONDO:0018975, OMIM 162200. Disease mechanism: loss of function.
Juvenile myelomonocytic leukemia (JMML). Also called: LEUKEMIA, JUVENILE MYELOMONOCYTIC, SOMATIC. Identifiers: Orphanet 86834, MedGen C0349639, MONDO:0011908, OMIM 607785, HP:0012209.

Submissions (2):

Baylor Genetics
Classification: Uncertain significance for Juvenile myelomonocytic leukemia. Last evaluated: 2023-11-10. Review status: criteria provided, single submitter. Criteria: ACMG Guidelines, 2015. Collection method: clinical testing. Allele origin: unknown.

Labcorp Genetics (formerly Invitae), Labcorp
Classification: Uncertain significance for Neurofibromatosis, type 1. Last evaluated: 2019-05-16. Review status: criteria provided, single submitter. Criteria: Invitae Variant Classification Sherloc (09022015). Collection method: clinical testing. Allele origin: germline.
Comment: This sequence change replaces alanine with threonine at codon 2694 of the NF1 protein (p.Ala2694Thr). The alanine residue is moderately conserved and there is a small physicochemical difference between alanine and threonine. This variant is not present in population databases (ExAC no frequency). This variant has not been reported in the literature in individuals with NF1-related conditions. Algorithms developed to predict the effect of missense changes on protein structure and function are either unavailable or do not agree on the potential impact of this missense change (SIFT: "Deleterious"; PolyPhen-2: "Probably Damaging"; Align-GVGD: "Class C0"). In summary, the available evidence is currently insufficient to determine the role of this variant in disease. Therefore, it has been classified as a Variant of Uncertain Significance.